The following is an entry in ClinVar:

ClinVar aggregate classification (germline): Uncertain significance (1 of 4 stars; one submission).

Submission:

Labcorp Genetics (formerly Invitae), Labcorp
Classification: Uncertain significance. Last evaluated: 2022-07-22. Review status: criteria provided, single submitter. Criteria: Invitae Variant Classification Sherloc (09022015). Collection method: clinical testing. Allele origin: germline.
Comment: This variant results in a copy number gain of the genomic region encompassing exon(s) 1-18 of the SCN3A gene. This region includes the initiator codon of the gene. This copy number gain extends beyond the assayed region for this gene and therefore may encompass additional genes. As the precise location of this event is unknown, it may be in tandem or it may be located elsewhere in the genome. This variant has not been reported in the literature in individuals affected with SCN3A-related conditions. In summary, the available evidence is currently insufficient to determine the role of this variant in disease. Therefore, it has been classified as a Variant of Uncertain Significance.

NC_000002.11:g.(?_165984121)_(166246334_?)dup

Genes: SCN2A (sodium voltage-gated channel alpha subunit 2; plus strand), SCN3A (sodium voltage-gated channel alpha subunit 3; minus strand). Cytogenetic location: 2q24.3.
Variant type: Duplication.
Identifiers: ClinVar variation 2425669 (VCV002425669.3).